The following is an entry in ClinVar:

NM_000245.4(MET):c.1201-14A>G

Gene: MET (MET proto-oncogene, receptor tyrosine kinase; plus strand). Cytogenetic location: 7q31.2.
Variant type: single nucleotide variant.
Coding change: c.1201-14A>G on transcript NM_000245.4 (MANE Select); 14 bases into the intron before coding-DNA position 1201, A replaced by G.
Molecular consequence: intron variant.
Genome position (GRCh38, 1-based): chr7:116,731,654, A>G. VCF-style: chr7-116731654-A-G. GRCh37 (hg19) VCF-style: chr7-116371708-A-G.
Other names: c.1201-14A>G (NM_001127500.3, NM_001324401.3); c.-90-14A>G (NM_001324402.2).
Identifiers: ClinVar variation 386226 (VCV000386226.11), dbSNP rs762306750, ClinGen allele CA4448112.

ClinVar aggregate classification (germline): Conflicting classifications of pathogenicity. Review status: criteria provided, conflicting classifications (1 of 4 stars). 5 submissions from 5 submitters: Uncertain significance (1); Benign (1); Likely benign (3). Last evaluated 2026-02-02.

Conditions:
Renal cell carcinoma. Identifiers: Orphanet 217071, MedGen C0007134, MeSH D002292, MONDO:0005086, HP:0005584.
Papillary renal cell carcinoma type 1 (RCCP1). Also called: RENAL CELL CARCINOMA, PAPILLARY, 1, SOMATIC; Renal adenocarcinoma; Renal cell carcinoma 1; Renal cell carcinoma, somatic. Identifiers: Orphanet 47044, MedGen C1336839, OMIM 605074, HP:0011797.
Hereditary cancer-predisposing syndrome. Also called: Tumor predisposition; Neoplastic Syndromes, Hereditary; Hereditary neoplastic syndrome; Hereditary Cancer Syndrome. Identifiers: Orphanet 140162, MedGen C0027672, MeSH D009386, MONDO:0015356.

Allele frequency attached by ClinVar (database versions not stated): gnomAD exomes 0.00009 and 0.00022; ExAC 0.00012; gnomAD 0.00016 and 0.00019; TOPMed 0.00021.
gnomAD v4.1: 353 of 1,613,626 alleles (0.022%); highest among the groups gnomAD compares: Non-Finnish European, 0.028%; no homozygotes.

Submissions (5):

Labcorp Genetics (formerly Invitae), Labcorp
Classification: Likely benign for Renal cell carcinoma. Last evaluated: 2026-02-02. Review status: criteria provided, single submitter. Criteria: Invitae Variant Classification Sherloc (09022015). Collection method: clinical testing. Allele origin: germline.

Molecular Diagnostics Laboratory, Catalan Institute of Oncology
Classification: Uncertain significance for Hereditary cancer-predisposing syndrome. Last evaluated: 2025-04-14. Review status: criteria provided, single submitter. Criteria: ACMG Guidelines, 2015. Collection method: clinical testing. Allele origin: germline.
Comment: BP4 MET c.1201-14A>G is an intronic variant located close to a canonical splice site. This variant is found in 23/266086 alleles at a frequency of 0.0086% in the gnomAD v2.1.1 database, non-cancer dataset. The SpliceAI algorithm predicts no significant impact on splicing (BP4). To our knowledge, neither relevant clinical data nor well-stablished functional studies have been reported for this variant. It has been reported in the ClinVar database (1x benign, 2x likely benign). Based on the currently available information, c.1201-14A>G is classified as an uncertain significance variant according to ACMG guidelines.

Myriad Genetics, Inc.
Classification: Benign for Papillary renal cell carcinoma type 1. Last evaluated: 2024-11-07. Review status: criteria provided, single submitter. Criteria: Myriad Autosomal Dominant, Autosomal Recessive and X-Linked Classification Criteria (2023). Collection method: clinical testing. Allele origin: unknown.
Comment: This variant is considered benign. This variant is intronic and is not expected to impact mRNA splicing. This variant has been observed at a population frequency that is significantly greater than expected given the associated disease prevalence and penetrance.

Blueprint Genetics
Classification: Likely benign. Last evaluated: 2024-02-23. Review status: criteria provided, single submitter. Criteria: ACMG Guidelines, 2015. Collection method: clinical testing. Allele origin: germline.

GeneDx
Classification: Likely benign. Last evaluated: 2016-05-16. Review status: criteria provided, single submitter. Criteria: GeneDx Variant Classification (06012015). Collection method: clinical testing. Allele origin: germline. Affected: yes.
Comment: This variant is considered likely benign or benign based on one or more of the following criteria: it is a conservative change, it occurs at a poorly conserved position in the protein, it is predicted to be benign by multiple in silico algorithms, and/or has population frequency not consistent with disease.